The following is an entry in ClinVar:

ClinVar aggregate classification (germline): Uncertain significance (1 of 4 stars; one submission).

Conditions:
Spastic paraplegia. Identifiers: MedGen C0037772, HP:0001258.

Allele frequency attached by ClinVar (database versions not stated): gnomAD exomes below 0.00001; TOPMed 0.00002; gnomAD 0.00003; 1000 Genomes Project 30x 0.00016.

Submission:

Labcorp Genetics (formerly Invitae), Labcorp
Classification: Uncertain significance for Spastic paraplegia. Last evaluated: 2024-05-15. Review status: criteria provided, single submitter. Criteria: Invitae Variant Classification Sherloc (09022015). Collection method: clinical testing. Allele origin: germline.
Comment: This sequence change replaces glycine, which is neutral and non-polar, with serine, which is neutral and polar, at codon 166 of the GJC2 protein (p.Gly166Ser). This variant is not present in population databases (gnomAD no frequency). This variant has not been reported in the literature in individuals affected with GJC2-related conditions. ClinVar contains an entry for this variant (Variation ID: 1902065). Advanced modeling of protein sequence and biophysical properties (such as structural, functional, and spatial information, amino acid conservation, physicochemical variation, residue mobility, and thermodynamic stability) has been performed at Invitae for this missense variant, however the output from this modeling did not meet the statistical confidence thresholds required to predict the impact of this variant on GJC2 protein function. In summary, the available evidence is currently insufficient to determine the role of this variant in disease. Therefore, it has been classified as a Variant of Uncertain Significance.

NM_020435.4(GJC2):c.496G>A (p.Gly166Ser)

Gene: GJC2 (gap junction protein gamma 2; plus strand). Cytogenetic location: 1q42.13.
Variant type: single nucleotide variant.
Coding change: c.496G>A on transcript NM_020435.4 (MANE Select); coding-DNA position 496, G replaced by A.
Protein change: p.Gly166Ser; replaces glycine 166 with serine.
Molecular consequence: missense variant.
Genome position (GRCh38, 1-based): chr1:228,158,254, G>A. VCF-style: chr1-228158254-G-A. GRCh37 (hg19) VCF-style: chr1-228345955-G-A.
Other names: short protein forms G166S.
Identifiers: ClinVar variation 1902065 (VCV001902065.5), dbSNP rs997544625, ClinGen allele CA38727877.